The following is an entry in ClinVar:

NM_130384.3(ATRIP):c.11C>G (p.Thr4Ser)

Genes: ATRIP (ATR interacting protein; plus strand), ATRIP-TREX1 (ATRIP-TREX1 readthrough; plus strand), LOC129936703 (ATAC-STARR-seq lymphoblastoid silent region 14331; plus strand). Cytogenetic location: 3p21.31.
Variant type: single nucleotide variant.
Coding change: c.11C>G on transcript NM_130384.3 (MANE Select); coding-DNA position 11, C replaced by G.
Protein change: p.Thr4Ser; replaces threonine 4 with serine.
Molecular consequence: missense variant. On other transcripts: non-coding transcript variant (1), intron variant (1).
Genome position (GRCh38, 1-based): chr3:48,446,856, C>G. VCF-style: chr3-48446856-C-G. GRCh37 (hg19) VCF-style: chr3-48488260-C-G.
Other names: c.11C>G, p.Thr4Ser (NM_032166.4); c.-218+57C>G (NM_001271022.2); short protein forms T4S.
Identifiers: ClinVar variation 4182185 (VCV004182185.1).

ClinVar aggregate classification (germline): Uncertain significance (1 of 4 stars; one submission).

Submission:

Ambry Genetics
Classification: Uncertain significance. Last evaluated: 2025-07-19. Review status: criteria provided, single submitter. Criteria: Ambry Variant Classification Scheme 2023. Collection method: clinical testing. Allele origin: germline.
Comment: The p.T4S variant (also known as c.11C>G), located in coding exon 1 of the ATRIP gene, results from a C to G substitution at nucleotide position 11. The threonine at codon 4 is replaced by serine, an amino acid with similar properties. This amino acid position is conserved. In addition, this alteration is predicted to be tolerated by in silico analysis. Based on the available evidence, the clinical significance of this variant remains unclear.